The following is an entry in ClinVar:

NM_006031.6(PCNT):c.2440T>C (p.Leu814=)

Gene: PCNT (pericentrin; plus strand). Cytogenetic location: 21q22.3.
Variant type: single nucleotide variant.
Coding change: c.2440T>C on transcript NM_006031.6 (MANE Select); coding-DNA position 2440, T replaced by C.
Protein change: p.Leu814=; no amino-acid change (leucine 814 retained).
Molecular consequence: synonymous variant.
Genome position (GRCh38, 1-based): chr21:46,363,765, T>C. VCF-style: chr21-46363765-T-C. GRCh37 (hg19) VCF-style: chr21-47783680-T-C.
Other names: c.2086T>C, p.Leu696= (NM_001315529.2).
Identifiers: ClinVar variation 4999958 (VCV004999958.1).
Genomic context (GRCh38, chr21:46,363,765, plus strand): 5'-GCTGAAATGAGGCAGCTTCAGGACCAACAGGCAGCCCAGATCCTGGATCTGGAGAGGTCC[T>C]TGACGGAGCAGCAGGGCCGCCTGCAGCAGCTGGAACAGGACCTCACTTCAGACGACGCCC-3'
Protein context (NP_006022.3, residues 804-824): AAQILDLERS[Leu814=]TEQQGRLQQL

ClinVar aggregate classification (germline): Likely benign (1 of 4 stars; one submission).

Conditions:
PCNT-related disorder. Also called: PCNT-related condition.

gnomAD v4.1: 2 of 1,614,144 alleles (0.00012%); highest among the groups gnomAD compares: Admixed American, 0.0033%; no homozygotes.

Submission:

PreventionGenetics, part of Exact Sciences
Classification: Likely benign for PCNT-related condition. Last evaluated: 2025-02-06. Review status: criteria provided, single submitter. Criteria: ACMG Guidelines, 2015. Collection method: clinical testing. Allele origin: germline.
Comment: This variant is classified as likely benign based on ACMG/AMP sequence variant interpretation guidelines (Richards et al. 2015 PMID: 25741868, with internal and published modifications).